The following is an entry in ClinVar:

ClinVar aggregate classification (germline): Likely benign. Review status: criteria provided, multiple submitters, no conflicts (2 of 4 stars). 2 submissions from 2 submitters: Likely benign (2). Last evaluated 2024-05-14.

Conditions:
Malignant hyperthermia, susceptibility to, 1 (MHS1). Also called: Malignant hyperthermia suceptibility 1; Anesthesia related hyperthermia; Malignant hyperpyrexia; Fulminating hyperpyrexia; Pharmacogenic myopathy; RYR1-Related Malignant Hyperthermia Susceptibility. Identifiers: Orphanet 423, MedGen C2930980, MONDO:0007783, OMIM 145600.
RYR1-related disorder. Also called: RYR1-related condition; RYR1-related disorders. Identifiers: MedGen CN239331.

Allele frequency attached by ClinVar (database versions not stated): gnomAD exomes below 0.00001.
gnomAD v4.1: 2 of 1,614,000 alleles (0.00012%); highest among the groups gnomAD compares: Non-Finnish European, 0.00017%; no homozygotes.

Submissions (2):

All of Us Research Program, National Institutes of Health
Classification: Likely benign for Malignant hyperthermia, susceptibility to, 1. Last evaluated: 2024-05-14. Review status: criteria provided, single submitter. Criteria: ACMG Guidelines, 2015. Collection method: clinical testing. Allele origin: germline. Inheritance: Autosomal dominant inheritance. Observed: 1 variant allele, 1 heterozygote.
Comment: This study involves interpretation of variants in research participants for the purpose of population health screening. Participant phenotype was not available at the time of variant classification. Additional details can be found in publication PMID: 35346344, PMCID: PMC8962531

Labcorp Genetics (formerly Invitae), Labcorp
Classification: Likely benign for RYR1-related disorder. Last evaluated: 2023-10-23. Review status: criteria provided, single submitter. Criteria: Invitae Variant Classification Sherloc (09022015). Collection method: clinical testing. Allele origin: germline.

NM_000540.3(RYR1):c.8490G>A (p.Glu2830=)

Genes: RYR1 (ryanodine receptor 1; plus strand), LOC126862902 (BRD4-independent group 4 enhancer GRCh37_chr19:38995830-38997029; plus strand). Cytogenetic location: 19q13.2.
Variant type: single nucleotide variant.
Coding change: c.8490G>A on transcript NM_000540.3 (MANE Select); coding-DNA position 8490, G replaced by A.
Protein change: p.Glu2830=; no amino-acid change (glutamic acid 2830 retained).
Molecular consequence: synonymous variant.
Genome position (GRCh38, 1-based): chr19:38,505,895, G>A. VCF-style: chr19-38505895-G-A. GRCh37 (hg19) VCF-style: chr19-38996535-G-A.
Other names: c.8490G>A, p.Glu2830= (NM_001042723.2).
Identifiers: ClinVar variation 2905811 (VCV002905811.4), dbSNP rs1300347395, ClinGen allele CA507245064.